The following is an entry in ClinVar:

ClinVar aggregate classification (germline): Uncertain significance (1 of 4 stars; one submission).

Submission:

Laboratorio de Genetica e Diagnostico Molecular, Hospital Israelita Albert Einstein
Classification: Uncertain significance. Last evaluated: 2019-12-25. Review status: criteria provided, single submitter. Criteria: ACMG Guidelines, 2015. Collection method: clinical testing. Allele origin: germline. Affected: yes.
Comment: ACMG classification criteria: PM2, PP3, BP1

NM_001267550.2(TTN):c.5311G>T (p.Asp1771Tyr)

Gene: TTN (titin; minus strand). Cytogenetic location: 2q31.2.
Variant type: single nucleotide variant.
Coding change: c.5311G>T on transcript NM_001267550.2 (MANE Select); coding-DNA position 5311, G replaced by T.
Protein change: p.Asp1771Tyr; replaces aspartic acid 1771 with tyrosine.
Molecular consequence: missense variant.
Genome position (GRCh38, 1-based): chr2:178,776,553, C>A on the plus strand (G>T on the coding strand, the complement: TTN is on the minus strand). VCF-style: chr2-178776553-C-A. GRCh37 (hg19) VCF-style: chr2-179641280-C-A.
Other names: c.5311G>T, p.Asp1771Tyr (NM_001256850.1, NM_133378.4, NM_133379.5); c.5173G>T, p.Asp1725Tyr (NM_003319.4, NM_133432.3, NM_133437.4); short protein forms D1725Y, D1771Y.
Identifiers: ClinVar variation 1690757 (VCV001690757.2), dbSNP rs2154346208, ClinGen allele CA349453625.